The following is an entry in ClinVar:

ClinVar aggregate classification (germline): Uncertain significance. Review status: criteria provided, multiple submitters, no conflicts (2 of 4 stars). 3 submissions from 3 submitters: Uncertain significance (3). Last evaluated 2026-03-27.

Conditions:
Inborn genetic diseases. Identifiers: MedGen C0950123, MeSH D030342.

Allele frequency attached by ClinVar (database versions not stated): TOPMed 0.00006; gnomAD exomes 0.00002; gnomAD 0.00003; ExAC 0.00004.
gnomAD v4.1: 40 of 1,614,070 alleles (0.0025%); highest among the groups gnomAD compares: Admixed American, 0.01%; no homozygotes.

Submissions (3):

GeneDx
Classification: Uncertain significance. Last evaluated: 2026-03-27. Review status: criteria provided, single submitter. Criteria: GeneDx Variant Classification Process June 2021. Collection method: clinical testing. Allele origin: germline.
Comment: In silico analysis supports that this missense variant does not alter protein structure/function; Has not been previously published as pathogenic or benign to our knowledge

Ambry Genetics
Classification: Uncertain significance for Inborn genetic diseases. Last evaluated: 2024-01-16. Review status: criteria provided, single submitter. Criteria: Ambry Variant Classification Scheme 2023. Collection method: clinical testing. Allele origin: germline.

Labcorp Genetics (formerly Invitae), Labcorp
Classification: Uncertain significance. Last evaluated: 2023-11-27. Review status: criteria provided, single submitter. Criteria: Invitae Variant Classification Sherloc (09022015). Collection method: clinical testing. Allele origin: germline.
Comment: This sequence change replaces glutamic acid, which is acidic and polar, with lysine, which is basic and polar, at codon 4040 of the ANK3 protein (p.Glu4040Lys). This variant is present in population databases (rs201115226, gnomAD 0.009%). This variant has not been reported in the literature in individuals affected with ANK3-related conditions. ClinVar contains an entry for this variant (Variation ID: 1917165). Advanced modeling of protein sequence and biophysical properties (such as structural, functional, and spatial information, amino acid conservation, physicochemical variation, residue mobility, and thermodynamic stability) performed at Invitae indicates that this missense variant is not expected to disrupt ANK3 protein function with a negative predictive value of 80%. In summary, the available evidence is currently insufficient to determine the role of this variant in disease. Therefore, it has been classified as a Variant of Uncertain Significance.

NM_020987.5(ANK3):c.12118G>A (p.Glu4040Lys)

Gene: ANK3 (ankyrin 3; minus strand). Cytogenetic location: 10q21.2.
Variant type: single nucleotide variant.
Coding change: c.12118G>A on transcript NM_020987.5 (MANE Select); coding-DNA position 12118, G replaced by A.
Protein change: p.Glu4040Lys; replaces glutamic acid 4040 with lysine.
Molecular consequence: missense variant. On other transcripts: intron variant (4).
Genome position (GRCh38, 1-based): chr10:60,068,763, C>T on the plus strand (G>A on the coding strand, the complement: ANK3 is on the minus strand). VCF-style: chr10-60068763-C-T. GRCh37 (hg19) VCF-style: chr10-61828521-C-T.
Other names: c.4388-754G>A (NM_001204403.2); c.4409-754G>A (NM_001204404.2); c.4406-754G>A (NM_001320874.2); c.1808-754G>A (NM_001149.4); c.12118G>A (NM_020987.3); short protein forms E4040K.
Identifiers: ClinVar variation 1917165 (VCV001917165.7), dbSNP rs201115226, ClinGen allele CA5510970.